The following is an entry in ClinVar:

ClinVar aggregate classification (germline): Uncertain significance (1 of 4 stars; one submission).

Conditions:
RASopathy. Also called: rasopathies; Noonan spectrum disorder. Identifiers: Orphanet 536391, MedGen C5555857, MONDO:0021060.

Allele frequency attached by ClinVar (database versions not stated): gnomAD exomes below 0.00001; TOPMed below 0.00001; gnomAD 0.00001.
gnomAD v4.1: 3 of 1,613,158 alleles (0.00019%); highest among the groups gnomAD compares: African/African-American, 0.004%; no homozygotes.

Submission:

Labcorp Genetics (formerly Invitae), Labcorp
Classification: Uncertain significance for RASopathy. Last evaluated: 2023-10-27. Review status: criteria provided, single submitter. Criteria: Invitae Variant Classification Sherloc (09022015). Collection method: clinical testing. Allele origin: germline.
Comment: This sequence change replaces arginine, which is basic and polar, with histidine, which is basic and polar, at codon 579 of the SHOC2 protein (p.Arg579His). This variant is present in population databases (no rsID available, gnomAD 0.01%). This variant has not been reported in the literature in individuals affected with SHOC2-related conditions. ClinVar contains an entry for this variant (Variation ID: 1353465). Advanced modeling of protein sequence and biophysical properties (such as structural, functional, and spatial information, amino acid conservation, physicochemical variation, residue mobility, and thermodynamic stability) performed at Invitae indicates that this missense variant is not expected to disrupt SHOC2 protein function with a negative predictive value of 80%. In summary, the available evidence is currently insufficient to determine the role of this variant in disease. Therefore, it has been classified as a Variant of Uncertain Significance.

NM_007373.4(SHOC2):c.1736G>A (p.Arg579His)

Gene: SHOC2 (SHOC2 leucine rich repeat scaffold protein; plus strand). Cytogenetic location: 10q25.2.
Variant type: single nucleotide variant.
Coding change: c.1736G>A on transcript NM_007373.4 (MANE Select); coding-DNA position 1736, G replaced by A.
Protein change: p.Arg579His; replaces arginine 579 with histidine.
Molecular consequence: missense variant. On other transcripts: non-coding transcript variant (1).
Genome position (GRCh38, 1-based): chr10:111,011,805, G>A. VCF-style: chr10-111011805-G-A. GRCh37 (hg19) VCF-style: chr10-112771563-G-A.
Other names: c.1598G>A, p.Arg533His (NM_001269039.3); c.1736G>A, p.Arg579His (NM_001324336.2, NM_001324337.2); short protein forms R579H, R533H.
Identifiers: ClinVar variation 1353465 (VCV001353465.6), dbSNP rs1185910534, ClinGen allele CA378526803.